The following is an entry in ClinVar:

NM_001127222.2(CACNA1A):c.3070C>T (p.Arg1024Trp)

Gene: CACNA1A (calcium voltage-gated channel subunit alpha1 A; minus strand). Cytogenetic location: 19p13.13.
Variant type: single nucleotide variant.
Coding change: c.3070C>T on transcript NM_001127222.2 (MANE Select); coding-DNA position 3070, C replaced by T.
Protein change: p.Arg1024Trp; replaces arginine 1024 with tryptophan.
Molecular consequence: missense variant.
Genome position (GRCh38, 1-based): chr19:13,298,563, G>A on the plus strand (C>T on the coding strand, the complement: CACNA1A is on the minus strand). VCF-style: chr19-13298563-G-A. GRCh37 (hg19) VCF-style: chr19-13409377-G-A.
Other names: c.3082C>T, p.Arg1028Trp (NM_000068.4, NM_023035.3); c.3073C>T, p.Arg1025Trp (NM_001127221.2, NM_001174080.2); short protein forms R1024W, R1025W, R1028W.
Identifiers: ClinVar variation 3391258 (VCV003391258.1).

ClinVar aggregate classification (germline): Uncertain significance (1 of 4 stars; one submission).

Conditions:
Episodic ataxia type 2 (EA2). Also called: ATAXIA, FAMILIAL PAROXYSMAL; ACETAZOLAMIDE-RESPONSIVE HEREDITARY PAROXYSMAL CEREBELLAR ATAXIA; ATAXIA, EPISODIC, WITH NYSTAGMUS; CEREBELLAR ATAXIA, PAROXYSMAL, ACETAZOLAMIDE-RESPONSIVE; CEREBELLOPATHY, HEREDITARY PAROXYSMAL; EPISODIC ATAXIA, NYSTAGMUS-ASSOCIATED. Identifiers: Orphanet 97, MedGen C1720416, MONDO:0007163, OMIM 108500.

gnomAD v4.1: 1 of 1,543,242 alleles (0.000065%); highest among the groups gnomAD compares: South Asian, 0.0012%; no homozygotes.

Submission:

Neuberg Centre For Genomic Medicine, NCGM
Classification: Uncertain significance for Episodic ataxia type 2. Last evaluated: 2023-07-22. Review status: criteria provided, single submitter. Criteria: ACMG Guidelines, 2015. Collection method: clinical testing. Allele origin: germline. Inheritance: Autosomal dominant inheritance. Affected: yes.
Comment: The missense c.3070C>T p.Arg1024Trp variant in the CACNA1A gene has not been reported previously as a pathogenic variant nor as a benign variant, to our knowledge. This variant is reported with the allele frequency 0.001% in the gnomAD Exomes . Computational evidence SIFT - Damaging and MutationTaster -Polymorphism predicts conflicting evidence on protein structure and function for this variant. The amino acid Arginine at position 1024 is changed to a Tryptophan changing protein sequence and it might alter its composition and physico-chemical properties. The amino acid Arginine in CACNA1A is predicted as conserved by GERP++ and PhyloP across 100 vertebrates. For these reasons, this variant has been classified as Uncertain Significance.